The following is an entry in ClinVar:

ClinVar aggregate classification (germline): Conflicting classifications of pathogenicity. Review status: criteria provided, conflicting classifications (1 of 4 stars). 3 submissions from 3 submitters: Uncertain significance (2); Likely benign (1). Last evaluated 2026-04-29.

Conditions:
Hereditary cancer-predisposing syndrome. Also called: Tumor predisposition; Hereditary Cancer Syndrome; Neoplastic Syndromes, Hereditary; Hereditary neoplastic syndrome. Identifiers: Orphanet 140162, MedGen C0027672, MeSH D009386, MONDO:0015356.
Ataxia-telangiectasia syndrome (AT). Also called: LOUIS-BAR SYNDROME; Ataxia-telangiectasia, complementation group E; Cerebello-oculocutaneous telangiectasia; Immunodeficiency with ataxia telangiectasia; Ataxia-telangiectasia, complementation group D; AT, COMPLEMENTATION GROUP C. Identifiers: Orphanet 100, MedGen C0004135, MONDO:0008840, OMIM 208900.

Allele frequency attached by ClinVar (database versions not stated): gnomAD exomes below 0.00001.
gnomAD v4.1: 2 of 1,613,836 alleles (0.00012%); highest among the groups gnomAD compares: South Asian, 0.0011%; no homozygotes.

Submissions (3):

Ambry Genetics
Classification: Likely benign for Hereditary cancer-predisposing syndrome. Last evaluated: 2026-04-29. Review status: criteria provided, single submitter. Criteria: Ambry Variant Classification Scheme 2023. Collection method: clinical testing. Allele origin: germline.

Labcorp Genetics (formerly Invitae), Labcorp
Classification: Uncertain significance for Ataxia-telangiectasia syndrome. Last evaluated: 2025-10-14. Review status: criteria provided, single submitter. Criteria: Invitae Variant Classification Sherloc (09022015). Collection method: clinical testing. Allele origin: germline.
Comment: This sequence change replaces valine, which is neutral and non-polar, with isoleucine, which is neutral and non-polar, at codon 1161 of the ATM protein (p.Val1161Ile). This variant is not present in population databases (gnomAD no frequency). This variant has not been reported in the literature in individuals affected with ATM-related conditions. ClinVar contains an entry for this variant (Variation ID: 578166). Invitae Evidence Modeling of protein sequence and biophysical properties (such as structural, functional, and spatial information, amino acid conservation, physicochemical variation, residue mobility, and thermodynamic stability) indicates that this missense variant is not expected to disrupt ATM protein function with a negative predictive value of 95%. In summary, the available evidence is currently insufficient to determine the role of this variant in disease. Therefore, it has been classified as a Variant of Uncertain Significance.

Color Diagnostics, LLC DBA Color Health
Classification: Uncertain significance for Hereditary cancer-predisposing syndrome. Last evaluated: 2023-07-21. Review status: criteria provided, single submitter. Criteria: ACMG Guidelines, 2015. Collection method: clinical testing. Allele origin: germline.
Comment: This missense variant replaces valine with isoleucine at codon 1161 of the ATM protein. Computational prediction suggests that this variant may not impact protein structure and function (internally defined REVEL score threshold <= 0.5, PMID: 27666373). To our knowledge, functional studies have not been reported for this variant. This variant has not been reported in individuals affected with ATM-related disorders in the literature. This variant has not been identified in the general population by the Genome Aggregation Database (gnomAD). The available evidence is insufficient to determine the role of this variant in disease conclusively. Therefore, this variant is classified as a Variant of Uncertain Significance.

Literature cited by the submitters: PubMed 40580951 (cited by Ambry Genetics).

NM_000051.4(ATM):c.3481G>A (p.Val1161Ile)

Gene: ATM (ATM serine/threonine kinase; plus strand). Cytogenetic location: 11q22.3.
Variant type: single nucleotide variant.
Coding change: c.3481G>A on transcript NM_000051.4 (MANE Select); coding-DNA position 3481, G replaced by A.
Protein change: p.Val1161Ile; replaces valine 1161 with isoleucine.
Molecular consequence: missense variant.
Genome position (GRCh38, 1-based): chr11:108,281,073, G>A. VCF-style: chr11-108281073-G-A. GRCh37 (hg19) VCF-style: chr11-108151800-G-A.
Other names: c.3481G>A, p.Val1161Ile (NM_001351834.2); short protein forms V1161I.
Identifiers: ClinVar variation 578166 (VCV000578166.9), dbSNP rs1565441792, ClinGen allele CA382519496.